The following is an entry in ClinVar:

ClinVar aggregate classification (germline): Uncertain significance (1 of 4 stars; one submission).

Submission:

Labcorp Genetics (formerly Invitae), Labcorp
Classification: Uncertain significance. Last evaluated: 2022-09-24. Review status: criteria provided, single submitter. Criteria: Invitae Variant Classification Sherloc (09022015). Collection method: clinical testing. Allele origin: germline.
Comment: This variant is not present in population databases (gnomAD no frequency). This sequence change replaces isoleucine, which is neutral and non-polar, with valine, which is neutral and non-polar, at codon 100 of the CLUAP1 protein (p.Ile100Val). In summary, the available evidence is currently insufficient to determine the role of this variant in disease. Therefore, it has been classified as a Variant of Uncertain Significance. Advanced modeling of protein sequence and biophysical properties (such as structural, functional, and spatial information, amino acid conservation, physicochemical variation, residue mobility, and thermodynamic stability) performed at Invitae indicates that this missense variant is not expected to disrupt CLUAP1 protein function. This variant has not been reported in the literature in individuals affected with CLUAP1-related conditions.

NM_015041.3(CLUAP1):c.298A>G (p.Ile100Val)

Gene: CLUAP1 (clusterin associated protein 1; plus strand). Cytogenetic location: 16p13.3.
Variant type: single nucleotide variant.
Coding change: c.298A>G on transcript NM_015041.3 (MANE Select); coding-DNA position 298, A replaced by G.
Protein change: p.Ile100Val; replaces isoleucine 100 with valine.
Molecular consequence: missense variant.
Genome position (GRCh38, 1-based): chr16:3,508,367, A>G. VCF-style: chr16-3508367-A-G. GRCh37 (hg19) VCF-style: chr16-3558367-A-G.
Other names: c.298A>G, p.Ile100Val (NM_001330454.2); short protein forms I100V.
Identifiers: ClinVar variation 1720281 (VCV001720281.5), dbSNP rs2543932092, ClinGen allele CA394512294.